The following is an entry in ClinVar:

NM_002769.5(PRSS1):c.257A>T (p.Gln86Leu)

Genes: PRSS1 (serine protease 1; plus strand), TRB (T cell receptor beta locus; plus strand). Cytogenetic location: 7q34.
Variant type: single nucleotide variant.
Coding change: c.257A>T on transcript NM_002769.5 (MANE Select); coding-DNA position 257, A replaced by T.
Protein change: p.Gln86Leu; replaces glutamine 86 with leucine.
Molecular consequence: missense variant. On other transcripts: non-coding transcript variant (3).
Genome position (GRCh38, 1-based): chr7:142,751,830, A>T. VCF-style: chr7-142751830-A-T. GRCh37 (hg19) VCF-style: chr7-142459681-A-T.
Other names: short protein forms Q86L.
Identifiers: ClinVar variation 3783985 (VCV003783985.1).

ClinVar aggregate classification (germline): Uncertain significance (1 of 4 stars; one submission).

Conditions:
Hereditary pancreatitis (PCTT). Also called: PRSS1-Related Hereditary Pancreatitis; Hereditary chronic pancreatitis. Identifiers: Orphanet 676, MedGen C0238339, MONDO:0008185, OMIM 167800.

Submission:

Ambry Genetics
Classification: Uncertain significance for Hereditary pancreatitis. Last evaluated: 2025-02-08. Review status: criteria provided, single submitter. Criteria: Ambry Variant Classification Scheme 2023. Collection method: clinical testing. Allele origin: germline.
Comment: The p.Q86L variant (also known as c.257A>T), located in coding exon 3 of the PRSS1 gene, results from an A to T substitution at nucleotide position 257. The glutamine at codon 86 is replaced by leucine, an amino acid with dissimilar properties. This amino acid position is conserved. In addition, the in silico prediction for this alteration is inconclusive. Based on the available evidence, the clinical significance of this variant remains unclear.